The following is an entry in ClinVar:

NM_004278.4(PIGL):c.89G>A (p.Ser30Asn)

Gene: PIGL (phosphatidylinositol glycan anchor biosynthesis class L; plus strand). Cytogenetic location: 17p11.2.
Variant type: single nucleotide variant.
Coding change: c.89G>A on transcript NM_004278.4 (MANE Select); coding-DNA position 89, G replaced by A.
Protein change: p.Ser30Asn; replaces serine 30 with asparagine.
Molecular consequence: missense variant.
Genome position (GRCh38, 1-based): chr17:16,217,315, G>A. VCF-style: chr17-16217315-G-A. GRCh37 (hg19) VCF-style: chr17-16120629-G-A.
Other names: c.89G>A, p.Ser30Asn (NM_001411072.1); short protein forms S30N.
Identifiers: ClinVar variation 1809849 (VCV001809849.6), dbSNP rs779205636, ClinGen allele CA8409749.

ClinVar aggregate classification (germline): Conflicting classifications of pathogenicity. Review status: criteria provided, conflicting classifications (1 of 4 stars). 3 submissions from 3 submitters: Uncertain significance (2); Likely benign (1). Last evaluated 2024-12-02.

Conditions:
Inborn genetic diseases. Identifiers: MedGen C0950123, MeSH D030342.

Allele frequency attached by ClinVar (database versions not stated): gnomAD 0.00001; TOPMed 0.00008; gnomAD exomes 0.00010; ExAC 0.00013.
gnomAD v4.1: 60 of 1,614,096 alleles (0.0037%); highest among the groups gnomAD compares: Admixed American, 0.1%; no homozygotes.

Submissions (3):

Labcorp Genetics (formerly Invitae), Labcorp
Classification: Uncertain significance. Last evaluated: 2024-12-02. Review status: criteria provided, single submitter. Criteria: Invitae Variant Classification Sherloc (09022015). Collection method: clinical testing. Allele origin: germline.
Comment: This sequence change replaces serine, which is neutral and polar, with asparagine, which is neutral and polar, at codon 30 of the PIGL protein (p.Ser30Asn). This variant is present in population databases (rs779205636, gnomAD 0.2%). This variant has not been reported in the literature in individuals affected with PIGL-related conditions. ClinVar contains an entry for this variant (Variation ID: 1809849). An algorithm developed to predict the effect of missense changes on protein structure and function outputs the following: PolyPhen-2: "Benign". The asparagine amino acid residue is found in multiple mammalian species, which suggests that this missense change does not adversely affect protein function. In summary, the available evidence is currently insufficient to determine the role of this variant in disease. Therefore, it has been classified as a Variant of Uncertain Significance.

GeneDx
Classification: Uncertain significance. Last evaluated: 2022-06-07. Review status: criteria provided, single submitter. Criteria: GeneDx Variant Classification Process June 2021. Collection method: clinical testing. Allele origin: germline. Affected: yes.
Comment: In silico analysis supports that this missense variant does not alter protein structure/function; Has not been previously published as pathogenic or benign to our knowledge

Ambry Genetics
Classification: Likely benign for Inborn genetic diseases. Last evaluated: 2022-01-19. Review status: criteria provided, single submitter. Criteria: Ambry Variant Classification Scheme 2023. Collection method: clinical testing. Allele origin: germline.